The following is an entry in ClinVar:

ClinVar aggregate classification (germline): Benign/Likely benign. Review status: criteria provided, multiple submitters, no conflicts (2 of 4 stars). 3 submissions from 3 submitters: Benign (1); Likely benign (2). Last evaluated 2026-01-27.

Allele frequency attached by ClinVar (database versions not stated): 1000 Genomes Project 30x 0.00125; 1000 Genomes Project 0.00140; TOPMed 0.00229; ESP Exome Variant Server 0.00315; gnomAD exomes 0.00402 and 0.00569; ExAC 0.00639; gnomAD 0.00473 and 0.00503.
gnomAD v4.1: 6,570 of 1,613,450 alleles (0.41%); highest among the groups gnomAD compares: Non-Finnish European, 0.36%; 43 homozygotes.

Submissions (3):

Labcorp Genetics (formerly Invitae), Labcorp
Classification: Benign. Last evaluated: 2026-01-27. Review status: criteria provided, single submitter. Criteria: Invitae Variant Classification Sherloc (09022015). Collection method: clinical testing. Allele origin: germline.

CeGaT Center for Human Genetics Tuebingen
Classification: Likely benign. Last evaluated: 2025-10-01. Review status: criteria provided, single submitter. Criteria: CeGaT Center For Human Genetics Tuebingen Variant Classification Criteria Version 2. Collection method: clinical testing. Allele origin: germline. Affected: yes. Observed: 6 variant alleles.
Comment: MME: BS2

GeneDx
Classification: Likely benign. Last evaluated: 2019-03-27. Review status: criteria provided, single submitter. Criteria: GeneDx Variant Classification Process June 2021. Collection method: clinical testing. Allele origin: germline. Affected: yes.

NM_007289.4(MME):c.160+15C>T

Gene: MME (membrane metalloendopeptidase; plus strand). Cytogenetic location: 3q25.2.
Variant type: single nucleotide variant.
Coding change: c.160+15C>T on transcript NM_007289.4 (MANE Select); 15 bases into the intron after coding-DNA position 160, C replaced by T.
Molecular consequence: intron variant.
Genome position (GRCh38, 1-based): chr3:155,084,342, C>T. VCF-style: chr3-155084342-C-T. GRCh37 (hg19) VCF-style: chr3-154802131-C-T.
Other names: c.160+15C>T (NM_001354642.2, NM_000902.5, NM_007287.4 and 3 more transcripts).
Identifiers: ClinVar variation 1196286 (VCV001196286.40), dbSNP rs56040366, ClinGen allele CA2675024.